The following is an entry in ClinVar:

NM_003901.4(SGPL1):c.1288C>T (p.Leu430Phe)

Gene: SGPL1 (sphingosine-1-phosphate lyase 1; plus strand). Cytogenetic location: 10q22.1.
Variant type: single nucleotide variant.
Coding change: c.1288C>T on transcript NM_003901.4 (MANE Select); coding-DNA position 1288, C replaced by T.
Protein change: p.Leu430Phe; replaces leucine 430 with phenylalanine.
Molecular consequence: missense variant.
Genome position (GRCh38, 1-based): chr10:70,873,579, C>T. VCF-style: chr10-70873579-C-T. GRCh37 (hg19) VCF-style: chr10-72633336-C-T.
Other names: short protein forms L430F.
Identifiers: ClinVar variation 1907477 (VCV001907477.2), dbSNP rs143685682, ClinGen allele CA5541415.

ClinVar aggregate classification (germline): Uncertain significance (1 of 4 stars; one submission).

Allele frequency attached by ClinVar (database versions not stated): TOPMed 0.00003; gnomAD 0.00004; gnomAD exomes 0.00004; ExAC 0.00007; ESP Exome Variant Server 0.00008.
gnomAD v4.1: 60 of 1,612,086 alleles (0.0037%); highest among the groups gnomAD compares: Non-Finnish European, 0.0048%; no homozygotes.

Submission:

Labcorp Genetics (formerly Invitae), Labcorp
Classification: Uncertain significance. Last evaluated: 2022-04-15. Review status: criteria provided, single submitter. Criteria: Invitae Variant Classification Sherloc (09022015). Collection method: clinical testing. Allele origin: germline.
Comment: This sequence change replaces leucine, which is neutral and non-polar, with phenylalanine, which is neutral and non-polar, at codon 430 of the SGPL1 protein (p.Leu430Phe). This variant is present in population databases (rs143685682, gnomAD 0.009%). This variant has not been reported in the literature in individuals affected with SGPL1-related conditions. Algorithms developed to predict the effect of missense changes on protein structure and function are either unavailable or do not agree on the potential impact of this missense change (SIFT: "Tolerated"; PolyPhen-2: "Probably Damaging"; Align-GVGD: "Class C0"). In summary, the available evidence is currently insufficient to determine the role of this variant in disease. Therefore, it has been classified as a Variant of Uncertain Significance.